The following is an entry in ClinVar:

NM_000535.7(PMS2):c.24-16T>C

Gene: PMS2 (PMS1 homolog 2, mismatch repair system component; minus strand). Cytogenetic location: 7p22.1.
Variant type: single nucleotide variant.
Coding change: c.24-16T>C on transcript NM_000535.7 (MANE Select); 16 bases into the intron before coding-DNA position 24, T replaced by C.
Molecular consequence: intron variant.
Genome position (GRCh38, 1-based): chr7:6,006,047, A>G on the plus strand (T>C on the coding strand, the complement: PMS2 is on the minus strand). VCF-style: chr7-6006047-A-G. GRCh37 (hg19) VCF-style: chr7-6045678-A-G.
Other names: c.-52-1989T>C (NM_001322008.2); c.-242-1989T>C (NM_001322010.2, NM_001322004.2); c.-377-21T>C (NM_001322013.2, NM_001322003.2, NM_001322009.2); c.-856-21T>C (NM_001322012.2); c.-456-21T>C (NM_001322015.2); c.-192-16T>C (NM_001322007.2); c.-861-16T>C (NM_001322011.2); c.24-16T>C (NM_001322006.2, NM_001322014.2); and 1 more.
Identifiers: ClinVar variation 2027187 (VCV002027187.5), dbSNP rs931968986, ClinGen allele CA153249975.

ClinVar aggregate classification (germline): Likely benign. Review status: criteria provided, multiple submitters, no conflicts (2 of 4 stars). 2 submissions from 2 submitters: Likely benign (2). Last evaluated 2025-01-23.

Conditions:
Hereditary nonpolyposis colorectal neoplasms. Identifiers: MedGen C0009405, MeSH D003123.
Lynch syndrome 4 (LYNCH4). Also called: Colorectal cancer, hereditary nonpolyposis, type 4; Hereditary non-polyposis colorectal cancer, type 4. Identifiers: Orphanet 144, MedGen C1838333, MONDO:0013699, OMIM 614337. Disease mechanism: loss of function.

Allele frequency attached by ClinVar (database versions not stated): TOPMed 0.00001.

Submissions (2):

Myriad Genetics, Inc.
Classification: Likely benign for Lynch syndrome 4. Last evaluated: 2025-01-23. Review status: criteria provided, single submitter. Criteria: Myriad Autosomal Dominant, Autosomal Recessive and X-Linked Classification Criteria (2023). Collection method: clinical testing. Allele origin: unknown.
Comment: This variant is considered likely benign. This variant is intronic and is not expected to impact mRNA splicing.

Labcorp Genetics (formerly Invitae), Labcorp
Classification: Likely benign for Hereditary nonpolyposis colorectal neoplasms. Last evaluated: 2022-08-27. Review status: criteria provided, single submitter. Criteria: Invitae Variant Classification Sherloc (09022015). Collection method: clinical testing. Allele origin: germline.